The following is an entry in ClinVar:

ClinVar aggregate classification (germline): Pathogenic/Likely pathogenic. Review status: criteria provided, multiple submitters, no conflicts (2 of 4 stars). 6 submissions from 6 submitters: Pathogenic (1); Likely pathogenic (4). 1 of the submissions does not count toward it. Last evaluated 2024-05-09.

Conditions:
Inborn genetic diseases. Identifiers: MedGen C0950123, MeSH D030342.
Smith-Lemli-Opitz syndrome (SLOS). Also called: LETHAL ACRODYSGENITAL SYNDROME; POLYDACTYLY, SEX REVERSAL, RENAL HYPOPLASIA, AND UNILOBAR LUNG; RSH SYNDROME; RUTLEDGE LETHAL MULTIPLE CONGENITAL ANOMALY SYNDROME; 7-Dehydrocholesterol reductase deficiency. Identifiers: Orphanet 818, MedGen C0175694, MONDO:0010035, OMIM 270400.

Allele frequency attached by ClinVar (database versions not stated): gnomAD exomes below 0.00001 and 0.00001; gnomAD 0.00001; 1000 Genomes Project 30x 0.00016; 1000 Genomes Project 0.00020.
gnomAD v4.1: 6 of 1,613,674 alleles (0.00037%); highest among the groups gnomAD compares: East Asian, 0.0045%; no homozygotes.

Submissions (6):

Natera, Inc.
Classification: Likely pathogenic for Smith-Lemli-Opitz syndrome. Last evaluated: 2024-05-09. Review status: criteria provided, single submitter. Criteria: Natera Variant Classification Schema (03/2026). Collection method: clinical testing. Allele origin: germline.
Comment: The c.852C>A variant in DHCR7 is a missense variant predicted to cause substitution of phenylalanine to leucine at amino acid 284. This variant is rare in the general population with a frequency below the threshold expected for the associated phenotype(s). This variant has been observed in one or more individuals affected with the associated recessive disease, as either homozygous or compound heterozygous with a second variant (PMID: 10814720). Computational prediction algorithms indicate this variant is likely to affect gene or protein function. Given the available evidence, this variant is classified as Likely Pathogenic.

Fulgent Genetics
Classification: Likely pathogenic for Smith-Lemli-Opitz syndrome. Last evaluated: 2024-04-04. Review status: criteria provided, single submitter. Criteria: ACMG Guidelines, 2015. Collection method: clinical testing. Allele origin: germline.

Labcorp Genetics (formerly Invitae), Labcorp
Classification: Pathogenic for Smith-Lemli-Opitz syndrome. Last evaluated: 2022-12-02. Review status: criteria provided, single submitter. Criteria: Invitae Variant Classification Sherloc (09022015). Collection method: clinical testing. Allele origin: germline.
Comment: This variant is not present in population databases (gnomAD no frequency). This sequence change replaces phenylalanine, which is neutral and non-polar, with leucine, which is neutral and non-polar, at codon 284 of the DHCR7 protein (p.Phe284Leu). This missense change has been observed in individual(s) with Smith-Lemli-Opitz syndrome (PMID: 10814720, 16983147). For these reasons, this variant has been classified as Pathogenic. ClinVar contains an entry for this variant (Variation ID: 658626). Advanced modeling of protein sequence and biophysical properties (such as structural, functional, and spatial information, amino acid conservation, physicochemical variation, residue mobility, and thermodynamic stability) performed at Invitae indicates that this missense variant is expected to disrupt DHCR7 protein function.

Ambry Genetics
Classification: Likely pathogenic for Inborn genetic diseases. Last evaluated: 2017-10-18. Review status: criteria provided, single submitter. Criteria: Ambry Variant Classification Scheme 2023. Collection method: clinical testing. Allele origin: germline.
Comment: The p.F284L variant (also known as c.852C>A), located in coding exon 6 of the DHCR7 gene, results from a C to A substitution at nucleotide position 852. The phenylalanine at codon 284 is replaced by leucine, an amino acid with highly similar properties. This amino acid position is highly conserved in available vertebrate species. In addition, this alteration is predicted to be deleterious by in silico analysis. Based on the majority of available evidence to date, this variant is likely to be pathogenic.

Juno Genomics, Hangzhou Juno Genomics, Inc
Classification: Likely pathogenic for Smith-Lemli-Opitz syndrome. Review status: criteria provided, single submitter. Criteria: ACMG Guidelines, 2015. Collection method: clinical testing. Allele origin: germline.
Comment: Absent from controls (or at extremely low frequency if recessive) in Genome Aggregation Database.;Multiple lines of computational evidence support a deleterious effect on the gene or gene product.;For recessive disorders, detected in trans with a pathogenic variant.;Patient's phenotype or family history is highly specific for a disease with a single genetic etiology.

OMIM
Classification: Pathogenic for SMITH-LEMLI-OPITZ SYNDROME, MILD. Last evaluated: 2003-11-15. Review status: no assertion criteria provided. Collection method: literature only. Allele origin: germline. Not counted in ClinVar's aggregate classification.

Literature cited by the submitters: PubMed 10814720 (cited by 4 submitters); PubMed 16983147 (cited by Labcorp Genetics (formerly Invitae), Labcorp); PubMed 10677299 (cited by Ambry Genetics); PubMed 12914579 (cited by Ambry Genetics); PubMed 14556255 (cited by Ambry Genetics and OMIM); PubMed 9653161 (cited by Ambry Genetics).

NM_001360.3(DHCR7):c.852C>A (p.Phe284Leu)

Gene: DHCR7 (7-dehydrocholesterol reductase; minus strand). Cytogenetic location: 11q13.4.
Variant type: single nucleotide variant.
Coding change: c.852C>A on transcript NM_001360.3 (MANE Select); coding-DNA position 852, C replaced by A.
Protein change: p.Phe284Leu; replaces phenylalanine 284 with leucine.
Molecular consequence: missense variant.
Genome position (GRCh38, 1-based): chr11:71,437,923, G>T on the plus strand (C>A on the coding strand, the complement: DHCR7 is on the minus strand). VCF-style: chr11-71437923-G-T. GRCh37 (hg19) VCF-style: chr11-71148969-G-T.
Other names: c.852C>A, p.Phe284Leu (NM_001163817.2); short protein forms F284L.
Identifiers: ClinVar variation 658626 (VCV000658626.17), dbSNP rs184297154, ClinGen allele CA224326709.
Genomic context (GRCh38, chr11:71,437,923, plus strand): 5'-CCACCCGAAGTGGTCATGGCAGATGTCAATGGTCTTCAGGTACCAGGTTTCGTTCCAGAA[G>T]AAGTCAATCACGTAGATGGCCTGCAAGACAGAAGCAGCCGCTGACCACCCCCGGCCCTCC-3'
Protein context (NP_001351.2, residues 274-294): NVLQAIYVID[Phe284Leu]FWNETWYLKT